The following is an entry in ClinVar:

ClinVar aggregate classification (germline): Benign. Review status: criteria provided, multiple submitters, no conflicts (2 of 4 stars). 3 submissions from 3 submitters: Benign (2). 1 of the submissions does not count toward it. Last evaluated 2025-10-01.

Conditions:
MMP21-related disorder. Also called: MMP21-related condition.

Allele frequency attached by ClinVar (database versions not stated): ESP Exome Variant Server 0.00023; gnomAD 0.00024 and 0.00072; TOPMed 0.00031; gnomAD exomes 0.00178; ExAC 0.00204; 1000 Genomes Project 30x 0.00359; 1000 Genomes Project 0.00439.

Submissions (3):

CeGaT Center for Human Genetics Tuebingen
Classification: Benign. Last evaluated: 2025-10-01. Review status: criteria provided, single submitter. Criteria: CeGaT Center For Human Genetics Tuebingen Variant Classification Criteria Version 2. Collection method: clinical testing. Allele origin: germline. Affected: yes. Observed: 2 variant alleles.
Comment: MMP21: BP4, BP7, BS1, BS2

Labcorp Genetics (formerly Invitae), Labcorp
Classification: Benign. Last evaluated: 2019-12-31. Review status: criteria provided, single submitter. Criteria: Invitae Variant Classification Sherloc (09022015). Collection method: clinical testing. Allele origin: germline.

PreventionGenetics, part of Exact Sciences
Classification: Likely benign for MMP21-related condition. Last evaluated: 2019-04-16. Review status: no assertion criteria provided. Collection method: clinical testing. Allele origin: germline. Not counted in ClinVar's aggregate classification.
Comment: This variant is classified as likely benign based on ACMG/AMP sequence variant interpretation guidelines (Richards et al. 2015 PMID: 25741868, with internal and published modifications).

NM_147191.1(MMP21):c.732G>C (p.Gly244=)

Gene: MMP21 (matrix metallopeptidase 21; minus strand). Cytogenetic location: 10q26.2.
Variant type: single nucleotide variant.
Coding change: c.732G>C on transcript NM_147191.1 (MANE Select); coding-DNA position 732, G replaced by C.
Protein change: p.Gly244=; no amino-acid change (glycine 244 retained).
Molecular consequence: synonymous variant.
Genome position (GRCh38, 1-based): chr10:125,772,716, C>G on the plus strand (G>C on the coding strand, the complement: MMP21 is on the minus strand). VCF-style: chr10-125772716-C-G. GRCh37 (hg19) VCF-style: chr10-127461285-C-G.
Identifiers: ClinVar variation 707017 (VCV000707017.35), dbSNP rs28381292, ClinGen allele CA5738125.